The following is an entry in ClinVar:

ClinVar aggregate classification (germline): Pathogenic. Review status: criteria provided, single submitter (1 of 4 stars). 2 submissions from 2 submitters: Pathogenic (1). 1 of the submissions does not count toward it. Last evaluated 2024-10-12.

Conditions:
COMP-related disorder. Also called: COMP-related condition; COMP-related disorders.

Submissions (2):

Labcorp Genetics (formerly Invitae), Labcorp
Classification: Pathogenic. Last evaluated: 2024-10-12. Review status: criteria provided, single submitter. Criteria: Invitae Variant Classification Sherloc (09022015). Collection method: clinical testing. Allele origin: germline.
Comment: This sequence change replaces aspartic acid, which is acidic and polar, with asparagine, which is neutral and polar, at codon 378 of the COMP protein (p.Asp378Asn). This variant is not present in population databases (gnomAD no frequency). This missense change has been observed in individuals with clinical features of COMP-related conditions (internal data). It has also been observed to segregate with disease in related individuals. ClinVar contains an entry for this variant (Variation ID: 1455152). Invitae Evidence Modeling of protein sequence and biophysical properties (such as structural, functional, and spatial information, amino acid conservation, physicochemical variation, residue mobility, and thermodynamic stability) indicates that this missense variant is expected to disrupt COMP protein function with a positive predictive value of 80%. This variant disrupts the p.Asp378 amino acid residue in COMP. Other variant(s) that disrupt this residue have been observed in individuals with COMP-related conditions (PMID: 15756302, 21922596, 24595329), which suggests that this may be a clinically significant amino acid residue. For these reasons, this variant has been classified as Pathogenic.

PreventionGenetics, part of Exact Sciences
Classification: Likely pathogenic for COMP-related condition. Last evaluated: 2024-07-02. Review status: no assertion criteria provided. Collection method: clinical testing. Allele origin: germline. Not counted in ClinVar's aggregate classification.
Comment: The COMP c.1132G>A variant is predicted to result in the amino acid substitution p.Asp378Asn. To our knowledge, this variant has not been reported in the literature or in a large population database, indicating this variant is rare. This variant impacts an Aspartic acid residue in a type III repeat motif of the COMP protein, where most pathogenic variants are located (Briggs et al. 2014. PubMed ID: 24595329). Different amino acid changes at the same position (p.Asp378Val and p.Asp378Tyr) have been reported as pathogenic in patients with pseudoachondroplasia and/or multiple epiphyseal dysplasia (Kennedy et al. 2005. PubMed ID: 15756302; Jackson et al. 2012. PubMed ID: 21922596; Briggs et al. 2014. PubMed ID: 24595329), and in one patient, the variant was determined to be de novo (p.Asp378Val, Jackson et al. 2012. PubMed ID: 21922596). This variant is interpreted as likely pathogenic.

Literature cited by the submitters: PubMed 15756302 (cited by Labcorp Genetics (formerly Invitae), Labcorp); PubMed 21922596 (cited by Labcorp Genetics (formerly Invitae), Labcorp); PubMed 24595329 (cited by Labcorp Genetics (formerly Invitae), Labcorp).

NM_000095.3(COMP):c.1132G>A (p.Asp378Asn)

Gene: COMP (cartilage oligomeric matrix protein; minus strand). Cytogenetic location: 19p13.11.
Variant type: single nucleotide variant.
Coding change: c.1132G>A on transcript NM_000095.3 (MANE Select); coding-DNA position 1132, G replaced by A.
Protein change: p.Asp378Asn; replaces aspartic acid 378 with asparagine.
Molecular consequence: missense variant.
Genome position (GRCh38, 1-based): chr19:18,787,494, C>T on the plus strand (G>A on the coding strand, the complement: COMP is on the minus strand). VCF-style: chr19-18787494-C-T. GRCh37 (hg19) VCF-style: chr19-18898303-C-T.
Other names: c.1132G>A (NM_000095.2); short protein forms D378N.
Identifiers: ClinVar variation 1455152 (VCV001455152.9), dbSNP rs2145902131, ClinGen allele CA404887681.
Genomic context (GRCh38, chr19:18,787,494, plus strand): 5'-ATCCCGCCCTTCGGTGCCCGCCGCCTCTCCTCGCCCCCCAACCCCCATCGAGCTCACGGT[C>T]GCCGTCGATGTCGTCGTCGCACGCATCGCCCCGGCCGTCCTGGTCTGTGTCCTTTTGGTC-3'
Protein context (NP_000086.2, residues 368-388): GDACDDDIDG[Asp378Asn]RIRNQADNCP